The following is an entry in ClinVar:

ClinVar aggregate classification (germline): Uncertain significance. Review status: criteria provided, multiple submitters, no conflicts (2 of 4 stars). 5 submissions from 5 submitters: Uncertain significance (4). 1 of the submissions does not count toward it. Last evaluated 2024-10-26.

Conditions:
Cardiovascular phenotype. Identifiers: MedGen CN230736.
Alstrom syndrome (ALMS). Identifiers: Orphanet 64, MedGen C0268425, MONDO:0008763, OMIM 203800.

Allele frequency attached by ClinVar (database versions not stated): TOPMed 0.00006; ESP Exome Variant Server 0.00017.

Submissions (5):

Labcorp Genetics (formerly Invitae), Labcorp
Classification: Uncertain significance for Alstrom syndrome. Last evaluated: 2024-10-26. Review status: criteria provided, single submitter. Criteria: Invitae Variant Classification Sherloc (09022015). Collection method: clinical testing. Allele origin: germline.
Comment: This sequence change replaces proline, which is neutral and non-polar, with serine, which is neutral and polar, at codon 1044 of the ALMS1 protein (p.Pro1044Ser). This variant is present in population databases (rs376987487, gnomAD 0.01%). This variant has not been reported in the literature in individuals affected with ALMS1-related conditions. ClinVar contains an entry for this variant (Variation ID: 556119). Experimental studies and prediction algorithms are not available or were not evaluated, and the functional significance of this variant is currently unknown. In summary, the available evidence is currently insufficient to determine the role of this variant in disease. Therefore, it has been classified as a Variant of Uncertain Significance.

GeneDx
Classification: Uncertain significance. Last evaluated: 2024-06-13. Review status: criteria provided, single submitter. Criteria: GeneDx Variant Classification Process June 2021. Collection method: clinical testing. Allele origin: germline. Affected: yes.
Comment: Not observed at significant frequency in large population cohorts (gnomAD); In silico analysis indicates that this missense variant does not alter protein structure/function; Has not been previously published as pathogenic or benign to our knowledge

Ambry Genetics
Classification: Uncertain significance for Cardiovascular phenotype. Last evaluated: 2022-06-24. Review status: criteria provided, single submitter. Criteria: Ambry Variant Classification Scheme 2023. Collection method: clinical testing. Allele origin: germline.

Fulgent Genetics
Classification: Uncertain significance for Alstrom syndrome. Last evaluated: 2021-07-02. Review status: criteria provided, single submitter. Criteria: ACMG Guidelines, 2015. Collection method: clinical testing. Allele origin: unknown.

Counsyl
Classification: Uncertain significance for Alstrom syndrome. Last evaluated: 2018-01-15. Review status: no assertion criteria provided. Collection method: clinical testing. Allele origin: unknown. Not counted in ClinVar's aggregate classification.

NM_001378454.1(ALMS1):c.3127C>T (p.Pro1043Ser)

Gene: ALMS1 (ALMS1 centrosome and basal body associated protein; plus strand). Cytogenetic location: 2p13.1.
Variant type: single nucleotide variant.
Coding change: c.3127C>T on transcript NM_001378454.1 (MANE Select); coding-DNA position 3127, C replaced by T.
Protein change: p.Pro1043Ser; replaces proline 1043 with serine.
Molecular consequence: missense variant.
Genome position (GRCh38, 1-based): chr2:73,449,654, C>T. VCF-style: chr2-73449654-C-T. GRCh37 (hg19) VCF-style: chr2-73676781-C-T.
Other names: c.3130C>T, p.Pro1044Ser (NM_015120.4); short protein forms P1044S, P1043S.
Identifiers: ClinVar variation 556119 (VCV000556119.9), dbSNP rs376987487, ClinGen allele CA1713465.